The following is an entry in ClinVar:

NM_024757.5(EHMT1):c.2443G>A (p.Glu815Lys)

Gene: EHMT1 (euchromatic histone lysine methyltransferase 1; plus strand). Cytogenetic location: 9q34.3.
Variant type: single nucleotide variant.
Coding change: c.2443G>A on transcript NM_024757.5 (MANE Select); coding-DNA position 2443, G replaced by A.
Protein change: p.Glu815Lys; replaces glutamic acid 815 with lysine.
Molecular consequence: missense variant.
Genome position (GRCh38, 1-based): chr9:137,790,908, G>A. VCF-style: chr9-137790908-G-A. GRCh37 (hg19) VCF-style: chr9-140685360-G-A.
Other names: c.2443G>A (NM_024757.4); c.2350G>A, p.Glu784Lys (NM_001354259.2); c.2422G>A, p.Glu808Lys (NM_001354263.2); short protein forms E784K, E808K, E815K.
Identifiers: ClinVar variation 1557996 (VCV001557996.10), dbSNP rs1443023108, ClinGen allele CA375785548.

ClinVar aggregate classification (germline): Conflicting classifications of pathogenicity. Review status: criteria provided, conflicting classifications (1 of 4 stars). 3 submissions from 3 submitters: Uncertain significance (2); Likely benign (1). Last evaluated 2024-10-01.

Conditions:
Inborn genetic diseases. Identifiers: MedGen C0950123, MeSH D030342.
Kleefstra syndrome 1 (KLEFS1). Identifiers: Orphanet 261494, MedGen C0795833, MONDO:0027407, OMIM 610253.

Allele frequency attached by ClinVar (database versions not stated): gnomAD 0.00001; gnomAD exomes 0.00001.
gnomAD v4.1: 8 of 1,614,014 alleles (0.0005%); highest among the groups gnomAD compares: Non-Finnish European, 0.00068%; no homozygotes.

Submissions (3):

GeneDx
Classification: Uncertain significance. Last evaluated: 2024-10-01. Review status: criteria provided, single submitter. Criteria: GeneDx Variant Classification Process June 2021. Collection method: clinical testing. Allele origin: germline. Affected: yes.
Comment: Not observed at significant frequency in large population cohorts (gnomAD); In silico analysis indicates that this missense variant does not alter protein structure/function; Has not been previously published as pathogenic or benign to our knowledge

Ambry Genetics
Classification: Uncertain significance for Inborn genetic diseases. Last evaluated: 2021-12-07. Review status: criteria provided, single submitter. Criteria: Ambry Variant Classification Scheme 2023. Collection method: clinical testing. Allele origin: germline.

Labcorp Genetics (formerly Invitae), Labcorp
Classification: Likely benign for Kleefstra syndrome 1. Last evaluated: 2021-07-09. Review status: criteria provided, single submitter. Criteria: Invitae Variant Classification Sherloc (09022015). Collection method: clinical testing. Allele origin: germline.